The following is an entry in ClinVar:

ClinVar aggregate classification (germline): Uncertain significance (1 of 4 stars; one submission).

Submission:

Labcorp Genetics (formerly Invitae), Labcorp
Classification: Uncertain significance. Last evaluated: 2024-10-03. Review status: criteria provided, single submitter. Criteria: Invitae Variant Classification Sherloc (09022015). Collection method: clinical testing. Allele origin: germline.
Comment: This sequence change replaces serine, which is neutral and polar, with alanine, which is neutral and non-polar, at codon 4 of the SULF1 protein (p.Ser4Ala). This variant is not present in population databases (gnomAD no frequency). This variant has not been reported in the literature in individuals affected with SULF1-related conditions. An algorithm developed to predict the effect of missense changes on protein structure and function (PolyPhen-2) suggests that this variant is likely to be tolerated. In summary, the available evidence is currently insufficient to determine the role of this variant in disease. Therefore, it has been classified as a Variant of Uncertain Significance.

NM_001128205.2(SULF1):c.10T>G (p.Ser4Ala)

Gene: SULF1 (sulfatase 1; plus strand). Cytogenetic location: 8q13.2.
Variant type: single nucleotide variant.
Coding change: c.10T>G on transcript NM_001128205.2 (MANE Select); coding-DNA position 10, T replaced by G.
Protein change: p.Ser4Ala; replaces serine 4 with alanine.
Molecular consequence: missense variant. On other transcripts: non-coding transcript variant (6), 5 prime UTR variant (5).
Genome position (GRCh38, 1-based): chr8:69,563,985, T>G. VCF-style: chr8-69563985-T-G. GRCh37 (hg19) VCF-style: chr8-70476220-T-G.
Other names: c.10T>G, p.Ser4Ala (NM_015170.3, NM_001128204.2, NM_001128206.2 and 18 more transcripts); c.-200T>G (NM_001412841.1, NM_001412842.1); c.-517T>G (NM_001412844.1, NM_001412845.1); c.-1692T>G (NM_001412846.1); short protein forms S4A.
Identifiers: ClinVar variation 3616441 (VCV003616441.2).
Genomic context (GRCh38, chr8:69,563,985, plus strand): 5'-AATCAGGAGACGGAGACATTTTGTCAGTTTTGCAACATTGGACCAAATACAATGAAGTAT[T>G]CTTGCTGTGCTCTGGTTTTGGCTGTCCTGGGCACAGAATTGCTGGGAAGCCTCTGTTCGA-3'
Protein context (NP_001121677.1, residues 1-14): MKY[Ser4Ala]CCALVLAVLG